The following is an entry in ClinVar:

NM_000138.5(FBN1):c.5358T>C (p.Val1786=)

Gene: FBN1 (fibrillin 1; minus strand). Cytogenetic location: 15q21.1.
Variant type: single nucleotide variant.
Coding change: c.5358T>C on transcript NM_000138.5 (MANE Select); coding-DNA position 5358, T replaced by C.
Protein change: p.Val1786=; no amino-acid change (valine 1786 retained).
Molecular consequence: synonymous variant.
Genome position (GRCh38, 1-based): chr15:48,456,701, A>G on the plus strand (T>C on the coding strand, the complement: FBN1 is on the minus strand). VCF-style: chr15-48456701-A-G. GRCh37 (hg19) VCF-style: chr15-48748898-A-G.
Identifiers: ClinVar variation 381920 (VCV000381920.11), dbSNP rs1057521207, ClinGen allele CA16607090.

ClinVar aggregate classification (germline): Conflicting classifications of pathogenicity. Review status: criteria provided, conflicting classifications (1 of 4 stars). 4 submissions from 4 submitters: Uncertain significance (1); Likely benign (3). Last evaluated 2024-02-28.

Conditions:
Marfan syndrome (MFS). Also called: Marfan syndrome, classic; Marfan syndrome type 1; Marfan's syndrome; MARFAN SYNDROME, TYPE I; FBN1-Related Marfan Syndrome. Identifiers: Orphanet 284963, Orphanet 558, MedGen C0024796, MONDO:0007947, OMIM 154700.
Familial thoracic aortic aneurysm and aortic dissection (TAAD). Also called: Thoracic aortic aneurysms and dissections. Identifiers: Orphanet 91387, MedGen C4707243, MONDO:0019625.

Allele frequency attached by ClinVar (database versions not stated): gnomAD exomes below 0.00001.
gnomAD v4.1: 3 of 1,614,006 alleles (0.00019%); highest among the groups gnomAD compares: Middle Eastern, 0.016%; no homozygotes.

Submissions (4):

Labcorp Genetics (formerly Invitae), Labcorp
Classification: Likely benign for Marfan syndrome; Familial thoracic aortic aneurysm and aortic dissection. Last evaluated: 2024-02-28. Review status: criteria provided, single submitter. Criteria: Invitae Variant Classification Sherloc (09022015). Collection method: clinical testing. Allele origin: germline.

Color Diagnostics, LLC DBA Color Health
Classification: Likely benign for Familial thoracic aortic aneurysm and aortic dissection. Last evaluated: 2019-07-15. Review status: criteria provided, single submitter. Criteria: ACMG Guidelines, 2015. Collection method: clinical testing. Allele origin: germline.

Eurofins Ntd Llc (ga)
Classification: Uncertain significance. Last evaluated: 2018-01-12. Review status: criteria provided, single submitter. Criteria: EGL Classification Definitions 2015. Collection method: clinical testing. Allele origin: germline. Observed: 1 variant allele, 1 heterozygote.

GeneDx
Classification: Likely benign. Last evaluated: 2015-11-25. Review status: criteria provided, single submitter. Criteria: GeneDx Variant Classification (06012015). Collection method: clinical testing. Allele origin: germline. Affected: yes.
Comment: This variant is considered likely benign or benign based on one or more of the following criteria: it is a conservative change, it occurs at a poorly conserved position in the protein, it is predicted to be benign by multiple in silico algorithms, and/or has population frequency not consistent with disease.